The following is an entry in ClinVar:

NM_015909.4(NBAS):c.1151_1152del (p.Lys384fs)

Gene: NBAS (NBAS subunit of NRZ tethering complex; minus strand). Cytogenetic location: 2p24.3.
Variant type: Deletion.
Coding change: c.1151_1152del on transcript NM_015909.4 (MANE Select); coding-DNA positions 1151 to 1152, 2 bases deleted (AA; older notation c.1151_1152delAA).
Protein change: p.Lys384fs; shifts the reading frame from lysine 384.
Molecular consequence: frameshift variant. On other transcripts: non-coding transcript variant (1).
Genome position (GRCh38, 1-based): chr2:15,475,876-15,475,877, TT deleted on the plus strand (AA on the coding strand, the reverse complement: NBAS is on the minus strand); deleting any 2 consecutive bases within chr2:15,475,876-15,475,878 gives the same sequence; the c. name uses the placement nearest the transcript's 3' end. VCF-style (leftmost placement, unchanged base first): chr2-15475875-CTT-C. GRCh37 (hg19) VCF-style: chr2-15615999-CTT-C.
Other names: short protein forms K384fs.
Identifiers: ClinVar variation 2106997 (VCV002106997.4), dbSNP rs1234886272, ClinGen allele CA531314959.

ClinVar aggregate classification (germline): Pathogenic (1 of 4 stars; one submission).

Submission:

Labcorp Genetics (formerly Invitae), Labcorp
Classification: Pathogenic. Last evaluated: 2025-02-23. Review status: criteria provided, single submitter. Criteria: Invitae Variant Classification Sherloc (09022015). Collection method: clinical testing. Allele origin: germline.
Comment: This sequence change creates a premature translational stop signal (p.Lys384Argfs*43) in the NBAS gene. It is expected to result in an absent or disrupted protein product. Loss-of-function variants in NBAS are known to be pathogenic (PMID: 26073778, 26541327, 27789416, 28031453). This variant is present in population databases (no rsID available, gnomAD 0.007%). This variant has not been reported in the literature in individuals affected with NBAS-related conditions. ClinVar contains an entry for this variant (Variation ID: 2106997). For these reasons, this variant has been classified as Pathogenic.

Literature cited by the submitters: PubMed 26073778; PubMed 26541327; PubMed 27789416; PubMed 28031453.